The following is an entry in ClinVar:

ClinVar aggregate classification (germline): Uncertain significance. Review status: criteria provided, multiple submitters, no conflicts (2 of 4 stars). 2 submissions from 2 submitters: Uncertain significance (2). Last evaluated 2024-10-08.

Conditions:
Autosomal recessive limb-girdle muscular dystrophy type 2O. Also called: Limb-Girdle Muscular Dystrophy Type 3C; MUSCULAR DYSTROPHY-DYSTROGLYCANOPATHY (LIMB-GIRDLE), TYPE C, 3; MUSCULAR DYSTROPHY-DYSTROGLYCANOPATHY, LIMB-GIRDLE, POMGNT1-RELATED. Identifiers: Orphanet 206564, MedGen C3150417, MONDO:0013161, OMIM 613157.
Muscular dystrophy-dystroglycanopathy (congenital with impaired intellectual development), type B, 3. Also called: Muscular dystrophy-dystroglycanopathy (congenital with intellectual disability), type B3; MUSCULAR DYSTROPHY, CONGENITAL, POMGNT1-RELATED. Identifiers: MedGen C3150412, MONDO:0013155, OMIM 613151.

Allele frequency attached by ClinVar (database versions not stated): 1000 Genomes Project 30x 0.00078; 1000 Genomes Project 0.00080.
gnomAD v4.1: 39 of 1,614,176 alleles (0.0024%); highest among the groups gnomAD compares: South Asian, 0.027%; no homozygotes.

Submissions (2):

Labcorp Genetics (formerly Invitae), Labcorp
Classification: Uncertain significance for Autosomal recessive limb-girdle muscular dystrophy type 2O; Muscular dystrophy-dystroglycanopathy (congenital with impaired intellectual development), type B, 3. Last evaluated: 2024-10-08. Review status: criteria provided, single submitter. Criteria: Invitae Variant Classification Sherloc (09022015). Collection method: clinical testing. Allele origin: germline.
Comment: This sequence change replaces arginine, which is basic and polar, with tryptophan, which is neutral and slightly polar, at codon 486 of the POMGNT1 protein (p.Arg486Trp). This variant is present in population databases (rs534543454, gnomAD 0.04%). This variant has not been reported in the literature in individuals affected with POMGNT1-related conditions. ClinVar contains an entry for this variant (Variation ID: 2201619). Invitae Evidence Modeling of protein sequence and biophysical properties (such as structural, functional, and spatial information, amino acid conservation, physicochemical variation, residue mobility, and thermodynamic stability) has been performed for this missense variant. However, the output from this modeling did not meet the statistical confidence thresholds required to predict the impact of this variant on POMGNT1 protein function. In summary, the available evidence is currently insufficient to determine the role of this variant in disease. Therefore, it has been classified as a Variant of Uncertain Significance.

Blueprint Genetics
Classification: Uncertain significance. Last evaluated: 2024-03-08. Review status: criteria provided, single submitter. Criteria: ACMG Guidelines, 2015. Collection method: clinical testing. Allele origin: germline.

NM_017739.4(POMGNT1):c.1456C>T (p.Arg486Trp)

Genes: POMGNT1 (protein O-linked mannose N-acetylglucosaminyltransferase 1 (beta 1,2-); minus strand), TSPAN1 (tetraspanin 1; plus strand). Cytogenetic location: 1p34.1.
Variant type: single nucleotide variant.
Coding change: c.1456C>T on transcript NM_017739.4 (MANE Select); coding-DNA position 1456, C replaced by T.
Protein change: p.Arg486Trp; replaces arginine 486 with tryptophan.
Molecular consequence: missense variant.
Genome position (GRCh38, 1-based): chr1:46,192,181, G>A on the plus strand (C>T on the coding strand, the complement: POMGNT1 is on the minus strand). VCF-style: chr1-46192181-G-A. GRCh37 (hg19) VCF-style: chr1-46657853-G-A.
Other names: c.1456C>T, p.Arg486Trp (NM_001243766.2, NM_001410783.1); c.1390C>T, p.Arg464Trp (NM_001290129.3); c.1027C>T, p.Arg343Trp (NM_001290130.2); short protein forms R343W, R464W, R486W.
Identifiers: ClinVar variation 2201619 (VCV002201619.3), dbSNP rs534543454, ClinGen allele CA833366.
Genomic context (GRCh38, chr1:46,192,181, plus strand): 5'-GGCCGACGATGCCAAAGTGGTAGGATCGGGAAACGTCAGGGATGATGCACTCTCGGCCCC[G>A]GCGTTGTTCAGGCATCCGCATCCACATGTCCCAATCCCAGAGCTGGCAGACATGGACCAC-3'
Protein context (NP_060209.4, residues 476-496): DMWMRMPEQR[Arg486Trp]GRECIIPDVS